The following is an entry in ClinVar:

NM_000384.3(APOB):c.11426C>A (p.Pro3809His)

Gene: APOB (apolipoprotein B; minus strand). Cytogenetic location: 2p24.1.
Variant type: single nucleotide variant.
Coding change: c.11426C>A on transcript NM_000384.3 (MANE Select); coding-DNA position 11426, C replaced by A.
Protein change: p.Pro3809His; replaces proline 3809 with histidine.
Molecular consequence: missense variant.
Genome position (GRCh38, 1-based): chr2:21,005,442, G>T on the plus strand (C>A on the coding strand, the complement: APOB is on the minus strand). VCF-style: chr2-21005442-G-T. GRCh37 (hg19) VCF-style: chr2-21228314-G-T.
Other names: short protein forms P3809H.
Identifiers: ClinVar variation 4074614 (VCV004074614.1).

ClinVar aggregate classification (germline): Uncertain significance (1 of 4 stars; one submission).

gnomAD v4.1: 1 of 1,614,044 alleles (0.000062%); highest among the groups gnomAD compares: Non-Finnish European, 0.000085%; no homozygotes.

Submission:

GeneDx
Classification: Uncertain significance. Last evaluated: 2025-02-05. Review status: criteria provided, single submitter. Criteria: GeneDx Variant Classification Process June 2021. Collection method: clinical testing. Allele origin: germline. Affected: yes.
Comment: Not observed at significant frequency in large population cohorts (gnomAD); In silico analysis supports that this missense variant has a deleterious effect on protein structure/function; Has not been previously published as pathogenic or benign to our knowledge